The following is an entry in ClinVar:

ClinVar aggregate classification (germline): Pathogenic/Likely pathogenic. Review status: criteria provided, multiple submitters, no conflicts (2 of 4 stars). 5 submissions from 5 submitters: Pathogenic (3); Likely pathogenic (1). 1 of the submissions does not count toward it. Last evaluated 2025-02-27.

Conditions:
MET-related disorder. Also called: MET-related condition.
Hereditary papillary renal cell carcinoma. Identifiers: Orphanet 47044, MedGen C0879257, MONDO:0003789.
Hereditary cancer-predisposing syndrome. Also called: Hereditary neoplastic syndrome; Tumor predisposition; Neoplastic Syndromes, Hereditary; Hereditary Cancer Syndrome. Identifiers: Orphanet 140162, MedGen C0027672, MeSH D009386, MONDO:0015356.
Renal cell carcinoma. Identifiers: Orphanet 217071, MedGen C0007134, MeSH D002292, MONDO:0005086, HP:0005584.
Papillary renal cell carcinoma type 1 (RCCP1). Also called: Renal adenocarcinoma; Renal cell carcinoma 1; Renal cell carcinoma, somatic; RENAL CELL CARCINOMA, PAPILLARY, 1, SOMATIC. Identifiers: Orphanet 47044, MedGen C1336839, OMIM 605074, HP:0011797.

Submissions (5):

Molecular Pathology, Peter Maccallum Cancer Centre
Classification: Likely pathogenic for Hereditary papillary renal cell carcinoma. Last evaluated: 2025-02-27. Review status: criteria provided, single submitter. Criteria: ACMG Guidelines, 2015. Collection method: clinical testing. Allele origin: germline. Inheritance: Autosomal dominant inheritance.

Blueprint Genetics
Classification: Pathogenic for MET-related disorders. Last evaluated: 2023-11-01. Review status: criteria provided, single submitter. Criteria: ACMG Guidelines, 2015. Collection method: clinical testing. Allele origin: germline. Affected: yes. Observed: 1 variant allele.

Labcorp Genetics (formerly Invitae), Labcorp
Classification: Pathogenic for Renal cell carcinoma. Last evaluated: 2018-11-21. Review status: criteria provided, single submitter. Criteria: Invitae Variant Classification Sherloc (09022015). Collection method: clinical testing. Allele origin: germline.
Comment: For these reasons, this variant has been classified as Pathogenic. This variant has been reported to affect MET protein function (PMID: 9326629). This variant has been observed to segregate with papillary renal cell carcinoma in two families (PMID: 9140397). ClinVar contains an entry for this variant (Variation ID: 13881). This variant is not present in population databases (ExAC no frequency). This sequence change replaces methionine with threonine at codon 1149 of the MET protein (p.Met1149Thr). The methionine residue is highly conserved and there is a moderate physicochemical difference between methionine and threonine.

Ambry Genetics
Classification: Pathogenic for Hereditary cancer-predisposing syndrome. Last evaluated: 2016-11-18. Review status: criteria provided, single submitter. Criteria: Ambry Variant Classification Scheme 2023. Collection method: clinical testing. Allele origin: germline.
Comment: The p.M1149T pathogenic mutation (also known as c.3446T>C), located in coding exon 16 of the MET gene, results from a T to C substitution at nucleotide position 3446. The methionine at codon 1149 is replaced by threonine, an amino acid with similar properties. This alteration has been previously in two families with hereditary papillary renal cell carcinoma, and was shown to segregate with disease (Schmidt L et al. Nat. Genet., 1997 May;16:68-73). Based on structural analysis, this variant is located in the tyrosine kinase domain and is anticipated to perturb normal protein function (Miller M et al. Proteins, 2001 Jul;44:32-43). Functional assays demonstrated that this is a weakly activating mutation resulting in increased phosphorylation (Jeffers M et al. Proc. Natl. Acad. Sci. U.S.A., 1997 Oct;94:11445-50; Schmidt L et al. Oncogene, 1999 Apr;18:2343-50). Based on the supporting evidence, this alteration is interpreted as a disease-causing mutation.

OMIM
Classification: Pathogenic for RENAL CELL CARCINOMA, PAPILLARY, 1. Last evaluated: 1997-05-01. Review status: no assertion criteria provided. Collection method: literature only. Allele origin: germline. Not counted in ClinVar's aggregate classification.

Literature cited by the submitters: PubMed 9326629 (cited by Labcorp Genetics (formerly Invitae), Labcorp and Ambry Genetics); PubMed 9140397 (cited by 3 submitters); PubMed 10327054 (cited by Ambry Genetics); PubMed 11354004 (cited by Ambry Genetics).

NM_000245.4(MET):c.3392T>C (p.Met1131Thr)

Gene: MET (MET proto-oncogene, receptor tyrosine kinase; plus strand). Cytogenetic location: 7q31.2.
Variant type: single nucleotide variant.
Coding change: c.3392T>C on transcript NM_000245.4 (MANE Select); coding-DNA position 3392, T replaced by C.
Protein change: p.Met1131Thr; replaces methionine 1131 with threonine.
Molecular consequence: missense variant.
Genome position (GRCh38, 1-based): chr7:116,778,827, T>C. VCF-style: chr7-116778827-T-C. GRCh37 (hg19) VCF-style: chr7-116418881-T-C.
Other names: c.3392T>C (NM_000245.2); c.3446T>C, p.Met1149Thr (NM_001127500.3, LRG_662t1); c.2102T>C, p.Met701Thr (NM_001324402.2); short protein forms M1149T, M701T, M1131T.
Identifiers: ClinVar variation 13881 (VCV000013881.16), dbSNP rs121913668, ClinGen allele CA256991.